The following is an entry in ClinVar:

ClinVar aggregate classification (germline): Likely benign (0 of 4 stars; one submission).

Conditions:
MCTP2-related disorder. Also called: MCTP2-related condition.

Allele frequency attached by ClinVar (database versions not stated): ESP Exome Variant Server 0.00015.
gnomAD v4.1: 119 of 1,612,684 alleles (0.0074%); highest among the groups gnomAD compares: Non-Finnish European, 0.009%; no homozygotes.

Submission:

PreventionGenetics, part of Exact Sciences
Classification: Likely benign for MCTP2-related condition. Last evaluated: 2021-08-20. Review status: no assertion criteria provided. Collection method: clinical testing. Allele origin: germline.
Comment: This variant is classified as likely benign based on ACMG/AMP sequence variant interpretation guidelines (Richards et al. 2015 PMID: 25741868, with internal and published modifications).

NM_001385001.1(MCTP2):c.2376G>A (p.Thr792=)

Gene: MCTP2 (multiple C2 and transmembrane domain containing 2; plus strand). Cytogenetic location: 15q26.2.
Variant type: single nucleotide variant.
Coding change: c.2376G>A on transcript NM_001385001.1 (MANE Select); coding-DNA position 2376, G replaced by A.
Protein change: p.Thr792=; no amino-acid change (threonine 792 retained).
Molecular consequence: synonymous variant. On other transcripts: non-coding transcript variant (7).
Genome position (GRCh38, 1-based): chr15:94,470,348, G>A. VCF-style: chr15-94470348-G-A. GRCh37 (hg19) VCF-style: chr15-95013577-G-A.
Other names: c.2211G>A, p.Thr737= (NM_001159643.2, NM_001385004.1); c.2376G>A, p.Thr792= (NM_001385002.1, NM_001385003.1, NM_018349.4); c.2334G>A, p.Thr778= (NM_001385005.1); c.2253G>A, p.Thr751= (NM_001385006.1); c.2094G>A, p.Thr698= (NM_001385007.1); c.1878G>A, p.Thr626= (NM_001385009.1); c.1713G>A, p.Thr571= (NM_001385010.1).
Identifiers: ClinVar variation 3041557 (VCV003041557.2), dbSNP rs144526062, ClinGen allele CA7750440.
Genomic context (GRCh38, chr15:94,470,348, plus strand): 5'-TTGTTGAACATCAGAGGAAATTATATTTATGTGGTTTGTCTACAGCACATTTAACTGGAC[G>A]GTCCCCTTCCTTTCATCTCTGGCCTGTTTGATTCTGGCAGCAGCCACCATCATTTTGTAT-3'
Protein context (NP_001371930.1, residues 782-802): GERIKNTFNW[Thr792=]VPFLSSLACL